The following is an entry in ClinVar:

NM_000180.4(GUCY2D):c.305C>A (p.Pro102His)

Gene: GUCY2D (guanylate cyclase 2D, retinal; plus strand). Cytogenetic location: 17p13.1.
Variant type: single nucleotide variant.
Coding change: c.305C>A on transcript NM_000180.4 (MANE Select); coding-DNA position 305, C replaced by A.
Protein change: p.Pro102His; replaces proline 102 with histidine.
Molecular consequence: missense variant.
Genome position (GRCh38, 1-based): chr17:8,003,352, C>A. VCF-style: chr17-8003352-C-A. GRCh37 (hg19) VCF-style: chr17-7906670-C-A.
Other names: short protein forms P102H.
Identifiers: ClinVar variation 2062449 (VCV002062449.1), dbSNP rs1975670030, ClinGen allele CA397943154.

ClinVar aggregate classification (germline): Uncertain significance (1 of 4 stars; one submission).

Conditions:
Cone-rod dystrophy 6 (CORD6). Also called: RETINAL CONE DYSTROPHY 2; Cone dystrophy progressive. Identifiers: Orphanet 1872, MedGen C1866293, MONDO:0011143, OMIM 601777.
Leber congenital amaurosis 1 (LCA1). Also called: Congenital absence of the rods and cones; Leber's congenital tapetoretinal degeneration; Leber's congenital tapetoretinal dysplasia; RETINAL BLINDNESS, CONGENITAL; AMAUROSIS CONGENITA OF LEBER I. Identifiers: Orphanet 65, MedGen C2931258, MONDO:0008764, OMIM 204000.

Allele frequency attached by ClinVar (database versions not stated): TOPMed below 0.00001.

Submission:

Labcorp Genetics (formerly Invitae), Labcorp
Classification: Uncertain significance for Leber congenital amaurosis 1; Cone-rod dystrophy 6. Last evaluated: 2022-07-03. Review status: criteria provided, single submitter. Criteria: Invitae Variant Classification Sherloc (09022015). Collection method: clinical testing. Allele origin: germline.
Comment: This sequence change replaces proline, which is neutral and non-polar, with histidine, which is basic and polar, at codon 102 of the GUCY2D protein (p.Pro102His). This variant is not present in population databases (gnomAD no frequency). This variant has not been reported in the literature in individuals affected with GUCY2D-related conditions. Algorithms developed to predict the effect of missense changes on protein structure and function are either unavailable or do not agree on the potential impact of this missense change (SIFT: "Deleterious"; PolyPhen-2: "Benign"; Align-GVGD: "Class C0"). In summary, the available evidence is currently insufficient to determine the role of this variant in disease. Therefore, it has been classified as a Variant of Uncertain Significance.